The following is an entry in ClinVar:

ClinVar aggregate classification (germline): Uncertain significance (1 of 4 stars; one submission).

Allele frequency attached by ClinVar (database versions not stated): gnomAD exomes below 0.00001; ExAC 0.00001.
gnomAD v4.1: 1 of 1,613,576 alleles (0.000062%); highest among the groups gnomAD compares: South Asian, 0.0011%; no homozygotes.

Submission:

GeneDx
Classification: Uncertain significance. Last evaluated: 2014-04-07. Review status: criteria provided, single submitter. Criteria: GeneDx Variant Classification (06012015). Collection method: clinical testing. Allele origin: germline. Affected: yes.
Comment: The P6R variant in the MYL3 gene has not been published as a mutation or as a benign polymorphism to our knowledge. The P6R variant was not observed in approximately 6,500 individuals of European and African American ancestry in the NHLBI Exome Sequencing Project, indicating it is not a common benign variant in these populations. The P6R variant is a non-conservative amino acid substitution, which is likely to impact secondary protein structure as these residues differ in polarity, charge, size and/or other properties. This substitution occurs at a position that is conserved in mammals. In silico analysis predicts this variant is probably damaging to the protein structure/function. Nevertheless, no missense mutations in nearby residues have been reported in association with cardiomyopathy, suggesting this region of the protein may be tolerant of change.Therefore, based on the currently available information, it is unclear whether this variant is a pathogenic mutation or a rare benign variant. The variant is found in CARDIOMYOPATHY panel(s).

NM_000258.3(MYL3):c.17C>G (p.Pro6Arg)

Gene: MYL3 (myosin light chain 3; minus strand). Cytogenetic location: 3p21.31.
Variant type: single nucleotide variant.
Coding change: c.17C>G on transcript NM_000258.3 (MANE Select); coding-DNA position 17, C replaced by G.
Protein change: p.Pro6Arg; replaces proline 6 with arginine.
Molecular consequence: missense variant.
Genome position (GRCh38, 1-based): chr3:46,863,374, G>C on the plus strand (C>G on the coding strand, the complement: MYL3 is on the minus strand). VCF-style: chr3-46863374-G-C. GRCh37 (hg19) VCF-style: chr3-46904864-G-C.
Other names: p.P6R:CCA>CGA; short protein forms P6R.
Identifiers: ClinVar variation 181445 (VCV000181445.2), dbSNP rs730880959, ClinGen allele CA013598.